The following is an entry in ClinVar:

ClinVar aggregate classification (germline): Uncertain significance (1 of 4 stars; one submission).

Submission:

Labcorp Genetics (formerly Invitae), Labcorp
Classification: Uncertain significance. Last evaluated: 2023-05-08. Review status: criteria provided, single submitter. Criteria: Invitae Variant Classification Sherloc (09022015). Collection method: clinical testing. Allele origin: germline.
Comment: This sequence change replaces leucine, which is neutral and non-polar, with valine, which is neutral and non-polar, at codon 1886 of the VPS13D protein (p.Leu1886Val). This variant is not present in population databases (gnomAD no frequency). This variant has not been reported in the literature in individuals affected with VPS13D-related conditions. ClinVar contains an entry for this variant (Variation ID: 1966639). Advanced modeling of protein sequence and biophysical properties (such as structural, functional, and spatial information, amino acid conservation, physicochemical variation, residue mobility, and thermodynamic stability) performed at Invitae indicates that this missense variant is expected to disrupt VPS13D protein function. In summary, the available evidence is currently insufficient to determine the role of this variant in disease. Therefore, it has been classified as a Variant of Uncertain Significance.

NM_015378.4(VPS13D):c.5656C>G (p.Leu1886Val)

Gene: VPS13D (vacuolar protein sorting 13 homolog D; plus strand). Cytogenetic location: 1p36.22.
Variant type: single nucleotide variant.
Coding change: c.5656C>G on transcript NM_015378.4 (MANE Select); coding-DNA position 5656, C replaced by G.
Protein change: p.Leu1886Val; replaces leucine 1886 with valine.
Molecular consequence: missense variant.
Genome position (GRCh38, 1-based): chr1:12,288,244, C>G. VCF-style: chr1-12288244-C-G. GRCh37 (hg19) VCF-style: chr1-12348301-C-G.
Other names: c.5656C>G, p.Leu1886Val (NM_018156.4); short protein forms L1886V.
Identifiers: ClinVar variation 1966639 (VCV001966639.5), dbSNP rs2524078317, ClinGen allele CA338485685.